The following is an entry in ClinVar:

NM_000812.4(GABRB1):c.258G>A (p.Met86Ile)

Gene: GABRB1 (gamma-aminobutyric acid type A receptor subunit beta1; plus strand). Cytogenetic location: 4p12.
Variant type: single nucleotide variant.
Coding change: c.258G>A on transcript NM_000812.4 (MANE Select); coding-DNA position 258, G replaced by A.
Protein change: p.Met86Ile; replaces methionine 86 with isoleucine.
Molecular consequence: missense variant.
Genome position (GRCh38, 1-based): chr4:47,161,266, G>A. VCF-style: chr4-47161266-G-A. GRCh37 (hg19) VCF-style: chr4-47163283-G-A.
Other names: short protein forms M86I.
Identifiers: ClinVar variation 3899808 (VCV003899808.1).

ClinVar aggregate classification (germline): Uncertain significance (1 of 4 stars; one submission).

Submission:

GeneDx
Classification: Uncertain significance. Last evaluated: 2024-11-19. Review status: criteria provided, single submitter. Criteria: GeneDx Variant Classification Process June 2021. Collection method: clinical testing. Allele origin: germline. Affected: yes.
Comment: Not observed at significant frequency in large population cohorts (gnomAD); In silico analysis supports that this missense variant has a deleterious effect on protein structure/function; Has not been previously published as pathogenic or benign to our knowledge